The following is an entry in ClinVar:

NM_000258.3(MYL3):c.392A>G (p.Glu131Gly)

Gene: MYL3 (myosin light chain 3; minus strand). Cytogenetic location: 3p21.31.
Variant type: single nucleotide variant.
Coding change: c.392A>G on transcript NM_000258.3 (MANE Select); coding-DNA position 392, A replaced by G.
Protein change: p.Glu131Gly; replaces glutamic acid 131 with glycine.
Molecular consequence: missense variant.
Genome position (GRCh38, 1-based): chr3:46,859,564, T>C on the plus strand (A>G on the coding strand, the complement: MYL3 is on the minus strand). VCF-style: chr3-46859564-T-C. GRCh37 (hg19) VCF-style: chr3-46901054-T-C.
Other names: short protein forms E131G.
Identifiers: ClinVar variation 1391345 (VCV001391345.6), dbSNP rs1372665221, ClinGen allele CA352496233.

ClinVar aggregate classification (germline): Uncertain significance (1 of 4 stars; one submission).

Conditions:
Hypertrophic cardiomyopathy. Also called: HYPERTROPHIC MYOCARDIOPATHY. Identifiers: Orphanet 217569, MedGen C0007194, MeSH D002312, MONDO:0005045, HP:0001639.

Allele frequency attached by ClinVar (database versions not stated): gnomAD exomes below 0.00001; TOPMed below 0.00001; gnomAD 0.00001.
gnomAD v4.1: 1 of 1,614,106 alleles (0.000062%); highest among the groups gnomAD compares: African/African-American, 0.0013%; no homozygotes.

Submission:

Labcorp Genetics (formerly Invitae), Labcorp
Classification: Uncertain significance for Hypertrophic cardiomyopathy. Last evaluated: 2022-03-22. Review status: criteria provided, single submitter. Criteria: Invitae Variant Classification Sherloc (09022015). Collection method: clinical testing. Allele origin: germline.
Comment: In summary, the available evidence is currently insufficient to determine the role of this variant in disease. Therefore, it has been classified as a Variant of Uncertain Significance. Algorithms developed to predict the effect of missense changes on protein structure and function are either unavailable or do not agree on the potential impact of this missense change (SIFT: "Deleterious"; PolyPhen-2: "Benign"; Align-GVGD: "Class C0"). This variant has not been reported in the literature in individuals affected with MYL3-related conditions. This variant is present in population databases (no rsID available, gnomAD 0.007%). This sequence change replaces glutamic acid, which is acidic and polar, with glycine, which is neutral and non-polar, at codon 131 of the MYL3 protein (p.Glu131Gly).